The following is an entry in ClinVar:

NM_001369.3(DNAH5):c.7024_7030delinsAAT (p.Asp2342fs)

Gene: DNAH5 (dynein axonemal heavy chain 5; minus strand). Cytogenetic location: 5p15.2.
Variant type: Indel.
Coding change: c.7024_7030delinsAAT on transcript NM_001369.3 (MANE Select); coding-DNA positions 7024 to 7030, GATGCCA replaced by AAT.
Protein change: p.Asp2342fs; shifts the reading frame from aspartic acid 2342.
Molecular consequence: frameshift variant.
Genome position (GRCh38, 1-based): chr5:13,814,805-13,814,811, TGGCATC replaced by ATT on the plus strand (GATGCCA replaced by AAT on the coding strand, the reverse complement: DNAH5 is on the minus strand). VCF-style: chr5-13814805-TGGCATC-ATT. GRCh37 (hg19) VCF-style: chr5-13814914-TGGCATC-ATT.
Other names: short protein forms D2342fs.
Identifiers: ClinVar variation 1725439 (VCV001725439.2), dbSNP rs2546825777, ClinGen allele CA2580072114.
Genomic context (GRCh38, chr5:13,814,805, plus strand): 5'-CATTGGCAAGGGTTAGAGTTTTGTTATCATCCAAAACAGAATTCAGATTTTCAATCCAGA[TGGCATC>ATT]TACTGGACCATCAAGAATTATCCAGATATGTTCCCCTAGAATACCCCACCAAAGGGAAAA-3'

ClinVar aggregate classification (germline): Likely pathogenic (1 of 4 stars; one submission).

Conditions:
Primary ciliary dyskinesia 3. Identifiers: Orphanet 244, MedGen C1837618, MONDO:0012085, OMIM 608644.

Submission:

Myriad Genetics, Inc.
Classification: Likely pathogenic for Primary ciliary dyskinesia 3. Last evaluated: 2022-03-21. Review status: criteria provided, single submitter. Criteria: Myriad Women's Health Autosomal Recessive and X-Linked Classification Criteria (2021). Collection method: clinical testing. Allele origin: unknown.
Comment: NM_001369.2(DNAH5):c.7024_7030del7ins3(D2342Nfs*7) is expected to be pathogenic in the context of DNAH5-related primary ciliary dyskinesia. This variant is predicted to lead to an abnormal or absent protein product due to the creation of a premature termination codon in DNAH5, a gene where loss-of-function variants are known to be pathogenic. Please note: this variant was assessed in the context of healthy population screening.